The following is an entry in ClinVar:

ClinVar aggregate classification (germline): Likely benign. Review status: criteria provided, single submitter (1 of 4 stars). 2 submissions from 2 submitters: Likely benign (1). 1 of the submissions does not count toward it. Last evaluated 2021-06-19.

Conditions:
ATP2B2-related disorder. Also called: ATP2B2-related condition.

Allele frequency attached by ClinVar (database versions not stated): gnomAD 0.00005; gnomAD exomes 0.00006; ESP Exome Variant Server 0.00015; 1000 Genomes Project 30x 0.00016; 1000 Genomes Project 0.00020; ExAC 0.00007; TOPMed 0.00007.
gnomAD v4.1: 52 of 1,614,024 alleles (0.0032%); highest among the groups gnomAD compares: Admixed American, 0.027%; no homozygotes.

Submissions (2):

Labcorp Genetics (formerly Invitae), Labcorp
Classification: Likely benign. Last evaluated: 2021-06-19. Review status: criteria provided, single submitter. Criteria: Invitae Variant Classification Sherloc (09022015). Collection method: clinical testing. Allele origin: germline.

PreventionGenetics, part of Exact Sciences
Classification: Likely benign for ATP2B2-related condition. Last evaluated: 2019-07-12. Review status: no assertion criteria provided. Collection method: clinical testing. Allele origin: germline. Not counted in ClinVar's aggregate classification.
Comment: This variant is classified as likely benign based on ACMG/AMP sequence variant interpretation guidelines (Richards et al. 2015 PMID: 25741868, with internal and published modifications).

NM_001001331.4(ATP2B2):c.2817G>A (p.Pro939=)

Gene: ATP2B2 (ATPase plasma membrane Ca2+ transporting 2; minus strand). Cytogenetic location: 3p25.3.
Variant type: single nucleotide variant.
Coding change: c.2817G>A on transcript NM_001001331.4 (MANE Select); coding-DNA position 2817, G replaced by A.
Protein change: p.Pro939=; no amino-acid change (proline 939 retained).
Molecular consequence: synonymous variant.
Genome position (GRCh38, 1-based): chr3:10,342,852, C>T on the plus strand (G>A on the coding strand, the complement: ATP2B2 is on the minus strand). VCF-style: chr3-10342852-C-T. GRCh37 (hg19) VCF-style: chr3-10384536-C-T.
Other names: c.2682G>A, p.Pro894= (NM_001330611.3, NM_001353564.1, NM_001363862.1 and 1 more transcripts); c.2682G>A (NM_001683.3).
Identifiers: ClinVar variation 1623217 (VCV001623217.10), dbSNP rs151087332, ClinGen allele CA2253274.